The following is an entry in ClinVar:

ClinVar aggregate classification (germline): Uncertain significance (1 of 4 stars; one submission).

Submission:

Laboratory for Molecular Medicine, Mass General Brigham Personalized Medicine
Classification: Uncertain significance. Last evaluated: 2017-03-28. Review status: criteria provided, single submitter. Criteria: LMM Criteria. Collection method: clinical testing. Allele origin: germline. Observed: 3 variant alleles.
Comment: Variant classified as Uncertain Significance - Favor Pathogenic. The p.Pro1515fs variant in PCDH15 (NM_001142769.1) has been reported in 3 individuals with hear ing loss: two were homozygous, and one was compound heterozygous with another pa thogenic variant in PCDH15 and segregated in the compound heterozygous state wit h disease in another affected sibling (Pepermans 2014, LMM data). This variant has not been reported in large population studies. This variant is predicted to cause a frameshift in one of the PCDH15 splicing isoforms, which alters the prot ein's amino acid sequence beginning at position 1515 and leads to a premature te rmination codon 4 amino acids downstream. This termination codon occurs within t he last exon of the isoform and is more likely to escape nonsense mediated decay (NMD) and result in a truncated protein. It is unclear whether the PCDH15 isofo rm is required for hearing and whether the predicted truncated protein is functi onal. In summary, while there is some suspicion for a pathogenic role, the clini cal significance of this variant is uncertain due to the uncertain functional im pact.

Literature cited by the submitters: PubMed 24940003.

NM_001384140.1(PCDH15):c.4671+1033dup

Gene: PCDH15 (protocadherin related 15; minus strand). Cytogenetic location: 10q21.1.
Variant type: Duplication.
Coding change: c.4671+1033dup on transcript NM_001384140.1 (MANE Select); 1033 bases into the intron after coding-DNA position 4671, one base duplicated (A; older notation c.4671+1033dupA).
Molecular consequence: intron variant. On other transcripts: frameshift variant (3).
Genome position (GRCh38, 1-based): chr10:53,809,523, T duplicated on the plus strand (A on the coding strand, the reverse complement: PCDH15 is on the minus strand); the first of 6 consecutive T bases (chr10:53,809,523-53,809,528); duplicating any one gives the same sequence. VCF-style (leftmost placement, unchanged base first): chr10-53809522-G-GT. GRCh37 (hg19) VCF-style: chr10-55569282-G-GT.
Other names: NM_001142769.1:c.4542dupA; p.Pro1515ThrfsX4; c.4537dup, p.Pro1515Thrfs (NM_001142769.4); c.4577dup, p.Asn1526fs (NM_001142770.3); c.4521dup, p.Pro1508fs (NM_001354411.2); c.4476+1033dup (NM_001354420.2); c.4605+1033dup (NM_001354429.2); c.4482+1033dup (NM_001142772.2); and 1 more; short protein forms P1508fs, P1515fs, N1526fs.
Identifiers: ClinVar variation 505342 (VCV000505342.5), dbSNP rs1554815895, ClinGen allele CA658797426.
Genomic context (GRCh38, chr10:53,809,522, plus strand): 5'-GTTTTTCGATAGTTACAACTACTTCTTCCTCCTCACTAGGCTCTCTAATTTCAACCTTTG[G>GT]TTTTTTAATTTTCTTTGGCTCTTCCTGAAAATTGTGAAAATGCAATTGAAGTGTCAGCTT-3'